The following is an entry in ClinVar:

NM_016824.5(ADD3):c.1905G>C (p.Met635Ile)

Gene: ADD3 (adducin 3; plus strand). Cytogenetic location: 10q25.2.
Variant type: single nucleotide variant.
Coding change: c.1905G>C on transcript NM_016824.5 (MANE Select); coding-DNA position 1905, G replaced by C.
Protein change: p.Met635Ile; replaces methionine 635 with isoleucine.
Molecular consequence: missense variant.
Genome position (GRCh38, 1-based): chr10:110,133,402, G>C. VCF-style: chr10-110133402-G-C. GRCh37 (hg19) VCF-style: chr10-111893160-G-C.
Other names: c.1809G>C, p.Met603Ile (NM_001121.4, NM_019903.5); c.1905G>C, p.Met635Ile (NM_001320591.2, NM_001320592.2, NM_001320593.2); c.1671G>C, p.Met557Ile (NM_001320594.2); short protein forms M635I, M557I, M603I.
Identifiers: ClinVar variation 787369 (VCV000787369.13), dbSNP rs73352950, ClinGen allele CA5686774.

ClinVar aggregate classification (germline): Benign. Review status: criteria provided, multiple submitters, no conflicts (2 of 4 stars). 3 submissions from 3 submitters: Benign (3). Last evaluated 2026-06-09.

Conditions:
ADD3-related disorder. Also called: ADD3-related condition.

Allele frequency attached by ClinVar (database versions not stated): gnomAD exomes 0.00181 and 0.00478; ExAC 0.00565; 1000 Genomes Project 0.01657; 1000 Genomes Project 30x 0.01686; gnomAD 0.01767 and 0.01902; ESP Exome Variant Server 0.02007; TOPMed 0.02020.
gnomAD v4.1: 5,468 of 1,613,332 alleles (0.34%); highest among the groups gnomAD compares: African/African-American, 6%; 142 homozygotes.

Submissions (3):

PreventionGenetics, part of Exact Sciences
Classification: Benign for ADD3-related condition. Last evaluated: 2026-06-09. Review status: criteria provided, single submitter. Criteria: ACMG Guidelines, 2015. Collection method: clinical testing. Allele origin: germline.
Comment: This variant is classified as benign based on ACMG/AMP sequence variant interpretation guidelines (Richards et al. 2015 PMID: 25741868, with internal and published modifications).

Labcorp Genetics (formerly Invitae), Labcorp
Classification: Benign. Last evaluated: 2026-01-19. Review status: criteria provided, single submitter. Criteria: Invitae Variant Classification Sherloc (09022015). Collection method: clinical testing. Allele origin: germline.

Breakthrough Genomics
Classification: Benign. Review status: criteria provided, single submitter. Criteria: ACMG Guidelines, 2015. Collection method: not provided. Allele origin: germline. Inheritance: Autosomal recessive inheritance. Affected: yes.